The following is an entry in ClinVar:

ClinVar aggregate classification (germline): Likely benign. Review status: criteria provided, single submitter (1 of 4 stars). 2 submissions from 2 submitters: Likely benign (1). 1 of the submissions does not count toward it. Last evaluated 2024-10-29.

Conditions:
EP300-related disorder. Also called: EP300-related condition; EP300-related disorders.
Rubinstein-Taybi syndrome due to EP300 haploinsufficiency. Also called: EP300-Related Rubinstein-Taybi Syndrome; RUBINSTEIN-TAYBI SYNDROME 2. Identifiers: Orphanet 353284, Orphanet 783, MedGen C3150941, MONDO:0013364, OMIM 613684.

Allele frequency attached by ClinVar (database versions not stated): gnomAD exomes below 0.00001; ExAC 0.00001; gnomAD 0.00001; TOPMed 0.00001.

Submissions (2):

Labcorp Genetics (formerly Invitae), Labcorp
Classification: Likely benign for Rubinstein-Taybi syndrome due to EP300 haploinsufficiency. Last evaluated: 2024-10-29. Review status: criteria provided, single submitter. Criteria: Invitae Variant Classification Sherloc (09022015). Collection method: clinical testing. Allele origin: germline.

PreventionGenetics, part of Exact Sciences
Classification: Likely benign for EP300-related condition. Last evaluated: 2023-05-23. Review status: no assertion criteria provided. Collection method: clinical testing. Allele origin: germline. Not counted in ClinVar's aggregate classification.
Comment: This variant is classified as likely benign based on ACMG/AMP sequence variant interpretation guidelines (Richards et al. 2015 PMID: 25741868, with internal and published modifications).

NM_001429.4(EP300):c.2062C>T (p.Leu688=)

Gene: EP300 (EP300 lysine acetyltransferase; plus strand). Cytogenetic location: 22q13.2.
Variant type: single nucleotide variant.
Coding change: c.2062C>T on transcript NM_001429.4 (MANE Select); coding-DNA position 2062, C replaced by T.
Protein change: p.Leu688=; no amino-acid change (leucine 688 retained).
Molecular consequence: synonymous variant. On other transcripts: intron variant (1).
Genome position (GRCh38, 1-based): chr22:41,146,747, C>T. VCF-style: chr22-41146747-C-T. GRCh37 (hg19) VCF-style: chr22-41542751-C-T.
Other names: c.2054-1090C>T (NM_001362843.2).
Identifiers: ClinVar variation 751843 (VCV000751843.6), dbSNP rs767283642, ClinGen allele CA10252719.
Genomic context (GRCh38, chr22:41,146,747, plus strand): 5'-TTTGGTTAAGGGAAGATGGTGCAAAGATACTTATTTCTCTTTTTTACTCTAGATGGCCCT[C>T]TACCTGACCCAAGTATGATCCGTGGCAGTGTGCCAAACCAGATGATGCCTCGAATAACTC-3'
Protein context (NP_001420.2, residues 678-698): PQPGMTSNGP[Leu688=]PDPSMIRGSV